The following is an entry in ClinVar:

ClinVar aggregate classification (germline): Uncertain significance (1 of 4 stars; one submission).

Conditions:
Papillon-Lefèvre syndrome (PALS). Also called: KERATOSIS PALMOPLANTARIS WITH PERIODONTOPATHIA; Papillon-Lefevre Disease. Identifiers: Orphanet 678, MedGen C0030360, MONDO:0009490, OMIM 245000.
Periodontitis, aggressive. Identifiers: MedGen C0031106, MONDO:0980757.
Haim-Munk syndrome (HMS). Also called: COCHIN JEWISH DISORDER; KERATOSIS PALMOPLANTARIS WITH PERIODONTOPATHIA AND ONYCHOGRYPOSIS. Identifiers: Orphanet 2342, MedGen C1855627, MONDO:0009491, OMIM 245010.

Submission:

Labcorp Genetics (formerly Invitae), Labcorp
Classification: Uncertain significance for Haim-Munk syndrome; Periodontitis, aggressive; Papillon-Lefèvre syndrome. Last evaluated: 2022-07-12. Review status: criteria provided, single submitter. Criteria: Invitae Variant Classification Sherloc (09022015). Collection method: clinical testing. Allele origin: germline.
Comment: This sequence change falls in intron 5 of the CTSC gene. It does not directly change the encoded amino acid sequence of the CTSC protein. This variant is not present in population databases (gnomAD no frequency). This variant has not been reported in the literature in individuals affected with CTSC-related conditions. ClinVar contains an entry for this variant (Variation ID: 1388992). Algorithms developed to predict the effect of sequence changes on RNA splicing suggest that this variant may disrupt the consensus splice site. In summary, the available evidence is currently insufficient to determine the role of this variant in disease. Therefore, it has been classified as a Variant of Uncertain Significance.

NM_001814.6(CTSC):c.758-7T>A

Gene: CTSC (cathepsin C; minus strand). Cytogenetic location: 11q14.2.
Variant type: single nucleotide variant.
Coding change: c.758-7T>A on transcript NM_001814.6 (MANE Select); 7 bases into the intron before coding-DNA position 758, T replaced by A.
Molecular consequence: intron variant.
Genome position (GRCh38, 1-based): chr11:88,296,271, A>T on the plus strand (T>A on the coding strand, the complement: CTSC is on the minus strand). VCF-style: chr11-88296271-A-T. GRCh37 (hg19) VCF-style: chr11-88029439-A-T.
Identifiers: ClinVar variation 1388992 (VCV001388992.7), dbSNP rs1591219951, ClinGen allele CA2573147797.